The following is an entry in ClinVar:

NM_007294.4(BRCA1):c.5467+7T>G

Gene: BRCA1 (BRCA1 DNA repair associated; minus strand). Cytogenetic location: 17q21.31.
Variant type: single nucleotide variant.
Coding change: c.5467+7T>G on transcript NM_007294.4 (MANE Select); 7 bases into the intron after coding-DNA position 5467, T replaced by G.
Molecular consequence: intron variant.
Genome position (GRCh38, 1-based): chr17:43,047,636, A>C on the plus strand (T>G on the coding strand, the complement: BRCA1 is on the minus strand). VCF-style: chr17-43047636-A-C. GRCh37 (hg19) VCF-style: chr17-41199653-A-C.
Other names: c.2014+7T>G (NM_001408458.1, NM_001408461.1, NM_001408464.1 and 7 more transcripts); c.4576+7T>G (NM_001407967.1); c.5086+7T>G (NM_001407959.1); c.5200+7T>G (NM_001407931.1, NM_001407932.1, NM_001407928.1 and 4 more transcripts); c.5323+7T>G (NM_001407747.1, NM_001407745.1, NM_001407737.1 and 18 more transcripts); c.5083+7T>G (NM_001407962.1, NM_001407960.1); c.1654+7T>G (NM_001408512.1); c.1777+7T>G (NM_001408510.1); and 83 more.
Identifiers: ClinVar variation 867542 (VCV000867542.3), dbSNP rs2050973951, ClinGen allele CA916080762.
Genomic context (GRCh38, chr17:43,047,636, plus strand): 5'-TAATGAGTGATAAACCAAACCCATGCAAAAGGACCCCATATAGCACAGGTACATGCAGGC[A>C]CCTTACCATGGAAGCCATTGTCCTCTGTCCAGGCATCTGGCTGCACAACCACAATTGGGT-3'

Conditions:
Breast-ovarian cancer, familial, susceptibility to, 1 (BROVCA1). Also called: BRCA1 Hereditary Breast and Ovarian Cancer; OVARIAN CANCER, SUSCEPTIBILITY TO. Identifiers: Orphanet 145, MedGen C2676676, MONDO:0011450, OMIM 604370. Disease mechanism: loss of function.

Submission:

Brotman Baty Institute, University of Washington
No classification provided (evidence only). Condition: Breast-ovarian cancer, familial 1. Review status: no classification provided. Collection method: in vitro. Allele origin: not applicable. Functional consequence: functionally_normal.
ClinVar note: "not provided" was previously submitted as the classification for the variant. However, the classification appeared to be based only on an observation of functional data so it was converted to no classification on 2025-07-30.